The following is an entry in ClinVar:

ClinVar aggregate classification (germline): Pathogenic. Review status: criteria provided, multiple submitters, no conflicts (2 of 4 stars). 4 submissions from 4 submitters: Pathogenic (3). 1 of the submissions does not count toward it. Last evaluated 2025-07-28.

Conditions:
Hereditary factor IX deficiency disease (HEMB). Also called: Christmas Disease; F9 DEFICIENCY; FACTOR IX DEFICIENCY; PLASMA THROMBOPLASTIN COMPONENT DEFICIENCY; Hemophilia B. Identifiers: Orphanet 98879, MedGen C0008533, MeSH D002836, MONDO:0010604, OMIM 306900.
Thrombophilia, X-linked, due to factor 9 defect. Identifiers: MedGen C2749016, MONDO:0010432, OMIM 300807.
F9-related disorder. Also called: F9-related condition.
Hemophilia B leyden. Identifiers: Orphanet 617930, MedGen C5848256, MONDO:0850054.

Allele frequency attached by ClinVar (database versions not stated): gnomAD exomes below 0.00001; gnomAD 0.00001; TOPMed 0.00008.

Submissions (4):

PreventionGenetics, part of Exact Sciences
Classification: Pathogenic for F9-related condition. Last evaluated: 2025-07-28. Review status: criteria provided, single submitter. Criteria: ACMG Guidelines, 2015. Collection method: clinical testing. Allele origin: germline.
Comment: The F9 c.-35G>A variant is located in the 5' untranslated region. This variant, also known as the Leiden or Leyden mutation, is a recurring variant reported in many patients with hemophilia B and functional studies suggest this variant results in decreased FIX levels that increase with age (Miller et al. 2012. PubMed ID: 22103590; Radic et al. 2013. PubMed ID: 23093250; Li et al. 2014. PubMed ID: 24375831; Yamashita et al. 2017. PubMed ID: 28168417; Ahmed et al. 2020. PubMed ID: 32346856; see also the Factor IX database). The c.-35G>A variant is absent from the gnomAD database, indicating it is rare. Taken together, this variant is interpreted as pathogenic.

Women's Health and Genetics/Laboratory Corporation of America, LabCorp
Classification: Pathogenic for Hereditary factor IX deficiency disease. Last evaluated: 2024-04-24. Review status: criteria provided, single submitter. Criteria: LabCorp Variant Classification Summary - May 2015. Collection method: clinical testing. Allele origin: germline.
Comment: Variant summary: F9 c.-35G>A is located in the untranscribed region upstream of the F9 gene region. The variant was absent in 182805 control chromosomes. c.-35G>A (also known as -6G>A) has been reported in the literature in multiple individuals affected with hemophilia B Leydenin and segregated with disease in at least one family (e.g. Coyle_1994, Ahmed_2020, Hirosawa_1990, Tamura_2021). These data indicate that the variant is very likely to be associated with disease. Experimental studies show that this variant reduce the expression level of factor IX (Hirosawa_1990, Funnell_2013). The following publications have been ascertained in the context of this evaluation (PMID: 32346856, 7677806, 23472758, 2352926, 33427373). ClinVar contains an entry for this variant (Variation ID: 641767). Based on the evidence outlined above, the variant was classified as pathogenic.

Labcorp Genetics (formerly Invitae), Labcorp
Classification: Pathogenic for Thrombophilia, X-linked, due to factor 9 defect; Hereditary factor IX deficiency disease. Last evaluated: 2019-06-17. Review status: criteria provided, single submitter. Criteria: Invitae Variant Classification Sherloc (09022015). Collection method: clinical testing. Allele origin: germline.
Comment: For these reasons, this variant has been classified as Pathogenic. This variant has been reported to affect F9 protein function (PMID: 23472758, 2352926). This variant has been observed to segregate with hemophilia B Leyden in families (PMID: 7677806, 2352926) and has been observed in several unrelated affected individuals (PMID: 28168417, 2352926, 8251390, 10595634, 7734378, 8217825). This variant is also known as -6G>A in the literature. ClinVar contains an entry for this variant (Variation ID: 10559). This variant is not present in population databases (ExAC no frequency). This variant occurs in a non-coding region of the F9 gene. It does not change the encoded amino acid sequence of the F9 protein.

OMIM
Classification: Pathogenic for HEMOPHILIA B LEYDEN. Last evaluated: 1990-08-11. Review status: no assertion criteria provided. Collection method: literature only. Allele origin: germline. Not counted in ClinVar's aggregate classification.

Literature cited by the submitters: PubMed 32346856 (cited by Women's Health and Genetics/Laboratory Corporation of America, LabCorp); PubMed 7677806 (cited by Women's Health and Genetics/Laboratory Corporation of America, LabCorp and Labcorp Genetics (formerly Invitae), Labcorp); PubMed 23472758 (cited by Women's Health and Genetics/Laboratory Corporation of America, LabCorp and Labcorp Genetics (formerly Invitae), Labcorp); PubMed 2352926 (cited by Women's Health and Genetics/Laboratory Corporation of America, LabCorp and Labcorp Genetics (formerly Invitae), Labcorp); PubMed 33427373 (cited by Women's Health and Genetics/Laboratory Corporation of America, LabCorp); PubMed 28168417 (cited by Labcorp Genetics (formerly Invitae), Labcorp); PubMed 8251390 (cited by Labcorp Genetics (formerly Invitae), Labcorp); PubMed 10595634 (cited by Labcorp Genetics (formerly Invitae), Labcorp); PubMed 7734378 (cited by Labcorp Genetics (formerly Invitae), Labcorp); PubMed 8217825 (cited by Labcorp Genetics (formerly Invitae), Labcorp); Fahner, J. B., Salier, J. P., Landa, L., Hirosawa, S., Lovrien, E. W., Kurachi, K. Defective promoter structure in a human factor IX-Leyden. (Abstract) Blood 72: 295A, 1988. (cited by OMIM); PubMed 2388855 (cited by OMIM).

NM_000133.4(F9):c.-35G>A

Gene: F9 (coagulation factor IX; plus strand). Cytogenetic location: Xq27.1.
Variant type: single nucleotide variant.
Coding change: c.-35G>A on transcript NM_000133.4 (MANE Select); 35 bases upstream of the start codon, G replaced by A.
Genome position (GRCh38, 1-based): chrX:139,530,730, G>A. VCF-style: chrX-139530730-G-A. GRCh37 (hg19) VCF-style: chrX-138612889-G-A.
Other names: F9, -6G-A; F9, -6G-C; -6G-A; -6G-C.
Identifiers: ClinVar variation 641767 (VCV000641767.15), dbSNP rs1166164399, ClinGen allele CA658640080.